The following is an entry in ClinVar:

ClinVar aggregate classification (germline): Uncertain significance. Review status: criteria provided, multiple submitters, no conflicts (2 of 4 stars). 3 submissions from 3 submitters: Uncertain significance (3). Last evaluated 2025-04-14.

Conditions:
Hereditary cancer-predisposing syndrome. Also called: Neoplastic Syndromes, Hereditary; Hereditary Cancer Syndrome; Tumor predisposition; Hereditary neoplastic syndrome. Identifiers: Orphanet 140162, MedGen C0027672, MeSH D009386, MONDO:0015356.
Hereditary cancer. Identifiers: MedGen C1333600.
EGFR-related lung cancer (EGFR). Identifiers: MedGen CN130014.

Allele frequency attached by ClinVar (database versions not stated): gnomAD exomes below 0.00001; TOPMed 0.00001.
gnomAD v4.1: 20 of 1,614,198 alleles (0.0012%); highest among the groups gnomAD compares: Non-Finnish European, 0.0015%; no homozygotes.

Submissions (3):

Labcorp Genetics (formerly Invitae), Labcorp
Classification: Uncertain significance for EGFR-related lung cancer. Last evaluated: 2025-04-14. Review status: criteria provided, single submitter. Criteria: Invitae Variant Classification Sherloc (09022015). Collection method: clinical testing. Allele origin: germline.
Comment: This sequence change replaces arginine, which is basic and polar, with tryptophan, which is neutral and slightly polar, at codon 803 of the EGFR protein (p.Arg803Trp). This variant is present in population databases (no rsID available, gnomAD no frequency). This variant has not been reported in the literature in individuals affected with EGFR-related conditions. ClinVar contains an entry for this variant (Variation ID: 584695). Invitae Evidence Modeling of protein sequence and biophysical properties (such as structural, functional, and spatial information, amino acid conservation, physicochemical variation, residue mobility, and thermodynamic stability) indicates that this missense variant is not expected to disrupt EGFR protein function with a negative predictive value of 80%. In summary, the available evidence is currently insufficient to determine the role of this variant in disease. Therefore, it has been classified as a Variant of Uncertain Significance.

Ambry Genetics
Classification: Uncertain significance for Hereditary cancer-predisposing syndrome. Last evaluated: 2024-12-19. Review status: criteria provided, single submitter. Criteria: Ambry Variant Classification Scheme 2023. Collection method: clinical testing. Allele origin: germline.
Comment: The p.R803W variant (also known as c.2407C>T), located in coding exon 20 of the EGFR gene, results from a C to T substitution at nucleotide position 2407. The arginine at codon 803 is replaced by tryptophan, an amino acid with dissimilar properties. This amino acid position is highly conserved in available vertebrate species. In addition, this alteration is predicted to be deleterious by in silico analysis. Based on the available evidence, the clinical significance of this variant remains unclear.

Mendelics
Classification: Uncertain significance for Hereditary cancer. Last evaluated: 2018-07-02. Review status: criteria provided, single submitter. Criteria: Mendelics Assertion Criteria 2017. Collection method: clinical testing. Allele origin: unknown.

NM_005228.5(EGFR):c.2407C>T (p.Arg803Trp)

Genes: EGFR (epidermal growth factor receptor; plus strand), EGFR-AS1 (EGFR antisense RNA 1; minus strand). Cytogenetic location: 7p11.2.
Variant type: single nucleotide variant.
Coding change: c.2407C>T on transcript NM_005228.5 (MANE Select); coding-DNA position 2407, C replaced by T.
Protein change: p.Arg803Trp; replaces arginine 803 with tryptophan.
Molecular consequence: missense variant. On other transcripts: non-coding transcript variant (1).
Genome position (GRCh38, 1-based): chr7:55,181,416, C>T. VCF-style: chr7-55181416-C-T. GRCh37 (hg19) VCF-style: chr7-55249109-C-T.
Other names: c.2407C>T (NM_005228.3); c.2272C>T, p.Arg758Trp (NM_001346897.2, NM_001346899.2); c.2407C>T, p.Arg803Trp (NM_001346898.2); c.2248C>T, p.Arg750Trp (NM_001346900.2); c.1606C>T, p.Arg536Trp (NM_001346941.2); short protein forms R803W, R750W, R536W, R758W.
Identifiers: ClinVar variation 584695 (VCV000584695.10), dbSNP rs1215679186, ClinGen allele CA367578933.